The following is an entry in ClinVar:

NM_053025.4(MYLK):c.3029G>T (p.Ser1010Ile)

Gene: MYLK (myosin light chain kinase; minus strand). Cytogenetic location: 3q21.1.
Variant type: single nucleotide variant.
Coding change: c.3029G>T on transcript NM_053025.4 (MANE Select); coding-DNA position 3029, G replaced by T.
Protein change: p.Ser1010Ile; replaces serine 1010 with isoleucine.
Molecular consequence: missense variant.
Genome position (GRCh38, 1-based): chr3:123,700,439, C>A on the plus strand (G>T on the coding strand, the complement: MYLK is on the minus strand). VCF-style: chr3-123700439-C-A. GRCh37 (hg19) VCF-style: chr3-123419286-C-A.
Other names: c.2501G>T, p.Ser834Ile (NM_001321309.2); c.2822G>T, p.Ser941Ile (NM_053026.4, NM_053028.4); c.3029G>T, p.Ser1010Ile (NM_053027.4); short protein forms S941I, S1010I, S834I.
Identifiers: ClinVar variation 5025212 (VCV005025212.1).

ClinVar aggregate classification (germline): Uncertain significance (1 of 4 stars; one submission).

Conditions:
Familial thoracic aortic aneurysm and aortic dissection (TAAD). Also called: Thoracic aortic aneurysms and dissections. Identifiers: Orphanet 91387, MedGen C4707243, MONDO:0019625.

Submission:

Ambry Genetics
Classification: Uncertain significance for Familial thoracic aortic aneurysm and aortic dissection. Last evaluated: 2026-08-16. Review status: criteria provided, single submitter. Criteria: Ambry Variant Classification Scheme 2023. Collection method: clinical testing. Allele origin: germline.
Comment: The p.S1010I variant (also known as c.3029G>T), located in coding exon 15 of the MYLK gene, results from a G to T substitution at nucleotide position 3029. The serine at codon 1010 is replaced by isoleucine, an amino acid with dissimilar properties. This amino acid position is conserved. In addition, this alteration is predicted to be tolerated by in silico analysis. Based on the available evidence, the clinical significance of this variant remains unclear.